The following is an entry in ClinVar:

NM_032444.4(SLX4):c.4510A>C (p.Ser1504Arg)

Gene: SLX4 (SLX4 structure-specific endonuclease subunit; minus strand). Cytogenetic location: 16p13.3.
Variant type: single nucleotide variant.
Coding change: c.4510A>C on transcript NM_032444.4 (MANE Select); coding-DNA position 4510, A replaced by C.
Protein change: p.Ser1504Arg; replaces serine 1504 with arginine.
Molecular consequence: missense variant.
Genome position (GRCh38, 1-based): chr16:3,589,128, T>G on the plus strand (A>C on the coding strand, the complement: SLX4 is on the minus strand). VCF-style: chr16-3589128-T-G. GRCh37 (hg19) VCF-style: chr16-3639129-T-G.
Other names: short protein forms S1504R.
Identifiers: ClinVar variation 2735330 (VCV002735330.3), dbSNP rs752481678, ClinGen allele CA394516993.

ClinVar aggregate classification (germline): Uncertain significance (1 of 4 stars; one submission).

Conditions:
Fanconi anemia (FA). Also called: Fanconi's anemia. Identifiers: Orphanet 84, MedGen C0015625, MeSH D005199, MONDO:0019391.

Allele frequency attached by ClinVar (database versions not stated): TOPMed below 0.00001.

Submission:

Labcorp Genetics (formerly Invitae), Labcorp
Classification: Uncertain significance for Fanconi anemia. Last evaluated: 2022-10-27. Review status: criteria provided, single submitter. Criteria: Invitae Variant Classification Sherloc (09022015). Collection method: clinical testing. Allele origin: germline.
Comment: In summary, the available evidence is currently insufficient to determine the role of this variant in disease. Therefore, it has been classified as a Variant of Uncertain Significance. Algorithms developed to predict the effect of missense changes on protein structure and function are either unavailable or do not agree on the potential impact of this missense change (SIFT: "Deleterious"; PolyPhen-2: "Possibly Damaging"; Align-GVGD: "Class C0"). This variant has not been reported in the literature in individuals affected with SLX4-related conditions. This variant is not present in population databases (gnomAD no frequency). This sequence change replaces serine, which is neutral and polar, with arginine, which is basic and polar, at codon 1504 of the SLX4 protein (p.Ser1504Arg).